The following is an entry in ClinVar:

NM_020975.6(RET):c.3011A>G (p.Asp1004Gly)

Gene: RET (ret proto-oncogene; plus strand). Cytogenetic location: 10q11.21.
Variant type: single nucleotide variant.
Coding change: c.3011A>G on transcript NM_020975.6 (MANE Select); coding-DNA position 3011, A replaced by G.
Protein change: p.Asp1004Gly; replaces aspartic acid 1004 with glycine.
Molecular consequence: missense variant.
Genome position (GRCh38, 1-based): chr10:43,124,954, A>G. VCF-style: chr10-43124954-A-G. GRCh37 (hg19) VCF-style: chr10-43620402-A-G.
Other names: c.3011A>G, p.Asp1004Gly (NM_000323.2, NM_001406743.1, NM_001406744.1 and 4 more transcripts); c.2249A>G, p.Asp750Gly (NM_001355216.2); c.2882A>G, p.Asp961Gly (NM_001406761.1, NM_001406762.1, NM_001406764.1); c.2876A>G, p.Asp959Gly (NM_001406763.1, NM_001406765.1); c.2723A>G, p.Asp908Gly (NM_001406766.1, NM_001406767.1, NM_001406770.1); c.2747A>G, p.Asp916Gly (NM_001406768.1); c.2615A>G, p.Asp872Gly (NM_001406769.1, NM_001406772.1); c.2573A>G, p.Asp858Gly (NM_001406771.1, NM_001406773.1); and 10 more; short protein forms D1004G, D750G, D660G, D665G, D674G, D916G, D908G, D569G.
Identifiers: ClinVar variation 652513 (VCV000652513.11), dbSNP rs1328724775, ClinGen allele CA376558187.

ClinVar aggregate classification (germline): Uncertain significance (1 of 4 stars; one submission).

Conditions:
Multiple endocrine neoplasia, type 2 (MEN2). Identifiers: Orphanet 653, MedGen C4048306, MONDO:0019003. Disease mechanism: gain of function.

Submission:

Labcorp Genetics (formerly Invitae), Labcorp
Classification: Uncertain significance for Multiple endocrine neoplasia, type 2. Last evaluated: 2019-09-27. Review status: criteria provided, single submitter. Criteria: Invitae Variant Classification Sherloc (09022015). Collection method: clinical testing. Allele origin: germline.
Comment: In summary, the available evidence is currently insufficient to determine the role of this variant in disease. Therefore, it has been classified as a Variant of Uncertain Significance. Algorithms developed to predict the effect of missense changes on protein structure and function are either unavailable or do not agree on the potential impact of this missense change (SIFT: "Deleterious"; PolyPhen-2: "Possibly Damaging"; Align-GVGD: "Class C0"). This variant has not been reported in the literature in individuals with RET-related disease. This variant is not present in population databases (ExAC no frequency). This sequence change replaces aspartic acid with glycine at codon 1004 of the RET protein (p.Asp1004Gly). The aspartic acid residue is weakly conserved and there is a moderate physicochemical difference between aspartic acid and glycine.